The following is an entry in ClinVar:

NM_018149.7(SMG8):c.1332T>C (p.Thr444=)

Gene: SMG8 (SMG8 nonsense mediated mRNA decay factor; plus strand). Cytogenetic location: 17q22.
Variant type: single nucleotide variant.
Coding change: c.1332T>C on transcript NM_018149.7 (MANE Select); coding-DNA position 1332, T replaced by C.
Protein change: p.Thr444=; no amino-acid change (threonine 444 retained).
Molecular consequence: synonymous variant.
Genome position (GRCh38, 1-based): chr17:59,211,383, T>C. VCF-style: chr17-59211383-T-C. GRCh37 (hg19) VCF-style: chr17-57288744-T-C.
Identifiers: ClinVar variation 4681937 (VCV004681937.5).

ClinVar aggregate classification (germline): Likely benign (1 of 4 stars; one submission).

Submission:

CeGaT Center for Human Genetics Tuebingen
Classification: Likely benign. Last evaluated: 2025-12-01. Review status: criteria provided, single submitter. Criteria: CeGaT Center For Human Genetics Tuebingen Variant Classification Criteria Version 2. Collection method: clinical testing. Allele origin: germline. Affected: yes. Observed: 1 variant allele.
Comment: SMG8: BP4, BP7